The following is an entry in ClinVar:

NM_000257.4(MYH7):c.3324C>T (p.Leu1108=)

Gene: MYH7 (myosin heavy chain 7; minus strand). Cytogenetic location: 14q11.2.
Variant type: single nucleotide variant.
Coding change: c.3324C>T on transcript NM_000257.4 (MANE Select); coding-DNA position 3324, C replaced by T.
Protein change: p.Leu1108=; no amino-acid change (leucine 1108 retained).
Molecular consequence: synonymous variant.
Genome position (GRCh38, 1-based): chr14:23,420,970, G>A on the plus strand (C>T on the coding strand, the complement: MYH7 is on the minus strand). VCF-style: chr14-23420970-G-A. GRCh37 (hg19) VCF-style: chr14-23890179-G-A.
Other names: c.3324C>T (LRG_384t1).
Identifiers: ClinVar variation 379003 (VCV000379003.16), dbSNP rs933857323, ClinGen allele CA16606945.

ClinVar aggregate classification (germline): Likely benign. Review status: criteria provided, multiple submitters, no conflicts (2 of 4 stars). 6 submissions from 6 submitters: Likely benign (6). Last evaluated 2023-12-12.

Conditions:
Cardiomyopathy (CMYO). Also called: Cardiomyopathies. Identifiers: Orphanet 167848, MedGen C0878544, MONDO:0004994, HP:0001638. Inheritance: Various modes of inheritance.
Congenital myopathy with fiber type disproportion. Also called: Congenital fiber-type disproportion myopathy; Congenital fiber-type disproportion. Identifiers: Orphanet 2020, MedGen C0546264, MONDO:0009711. Inheritance: all.
MYH7-related skeletal myopathy. Also called: Laing distal myopathy; Myopathy, distal, 1; MYOPATHY, DISTAL, EARLY-ONSET, AUTOSOMAL DOMINANT; MYOPATHY, LATE DISTAL HEREDITARY; Laing early-onset distal myopathy. Identifiers: Orphanet 59135, MedGen C4552004, MONDO:0008050, OMIM 160500.
Hypertrophic cardiomyopathy 1 (CMH1). Also called: Familial hypertrophic cardiomyopathy 1; MYH7-Related Familial Hypertrophic Cardiomyopathy. Identifiers: MedGen C3495498, MONDO:0008647, OMIM 192600.
Myopathy, myosin storage, autosomal recessive (CMYO7B). Also called: CONGENITAL MYOPATHY 7B, MYOSIN STORAGE, AUTOSOMAL RECESSIVE. Identifiers: Orphanet 636970, MedGen C1850709, MONDO:0009708, OMIM 255160.
Dilated cardiomyopathy 1S (CMD1S). Identifiers: Orphanet 154, Orphanet 54260, MedGen C1834481, MONDO:0013262, OMIM 613426.
Myosin storage myopathy (CMYO7A). Also called: MYOPATHY, HYALINE BODY, AUTOSOMAL DOMINANT; Scapuloperoneal myopathy, MYH7-related; MYOPATHY WITH LYSIS OF TYPE I MYOFIBRILS; MYH7-related late-onset scapuloperoneal muscular dystrophy; Congenital myopathy 7A, myosin storage, autosomal dominant; SCAPULOPERONEAL MUSCULAR DYSTROPHY. Identifiers: Orphanet 437572, Orphanet 636965, MedGen C1842160, MONDO:0008409, OMIM 608358.
Hypertrophic cardiomyopathy. Also called: HYPERTROPHIC MYOCARDIOPATHY. Identifiers: Orphanet 217569, MedGen C0007194, MeSH D002312, MONDO:0005045, HP:0001639.

Allele frequency attached by ClinVar (database versions not stated): gnomAD exomes below 0.00001.
gnomAD v4.1: 4 of 1,612,120 alleles (0.00025%); highest among the groups gnomAD compares: Non-Finnish European, 0.00025%; no homozygotes.

Submissions (6):

Blueprint Genetics
Classification: Likely benign. Last evaluated: 2023-12-12. Review status: criteria provided, single submitter. Criteria: ACMG Guidelines, 2015. Collection method: clinical testing. Allele origin: germline.

All of Us Research Program, National Institutes of Health
Classification: Likely benign for Cardiomyopathy. Last evaluated: 2023-03-09. Review status: criteria provided, single submitter. Criteria: ACMG Guidelines, 2015. Collection method: clinical testing. Allele origin: germline. Inheritance: Autosomal dominant inheritance. Observed: 1 variant allele, 1 heterozygote.
Comment: This study involves interpretation of variants in research participants for the purpose of population health screening. Participant phenotype was not available at the time of variant classification. Additional details can be found in publication PMID: 35346344, PMCID: PMC8962531

Labcorp Genetics (formerly Invitae), Labcorp
Classification: Likely benign for Hypertrophic cardiomyopathy. Last evaluated: 2022-07-19. Review status: criteria provided, single submitter. Criteria: Invitae Variant Classification Sherloc (09022015). Collection method: clinical testing. Allele origin: germline.

Fulgent Genetics
Classification: Likely benign for MYH7-related skeletal myopathy; Myosin storage myopathy; Hypertrophic cardiomyopathy 1; Myopathy, myosin storage, autosomal recessive; Congenital myopathy 4A, autosomal dominant; Dilated cardiomyopathy 1S. Last evaluated: 2021-07-23. Review status: criteria provided, single submitter. Criteria: ACMG Guidelines, 2015. Collection method: clinical testing. Allele origin: unknown.

Color Diagnostics, LLC DBA Color Health
Classification: Likely benign for Cardiomyopathy. Last evaluated: 2021-03-23. Review status: criteria provided, single submitter. Criteria: ACMG Guidelines, 2015. Collection method: clinical testing. Allele origin: germline.

GeneDx
Classification: Likely benign. Last evaluated: 2016-11-04. Review status: criteria provided, single submitter. Criteria: GeneDx Variant Classification (06012015). Collection method: clinical testing. Allele origin: germline. Affected: yes.
Comment: This variant is considered likely benign or benign based on one or more of the following criteria: it is a conservative change, it occurs at a poorly conserved position in the protein, it is predicted to be benign by multiple in silico algorithms, and/or has population frequency not consistent with disease.